The following is an entry in ClinVar:

NM_004304.5(ALK):c.4462G>C (p.Glu1488Gln)

Gene: ALK (ALK receptor tyrosine kinase; minus strand). Cytogenetic location: 2p23.2.
Variant type: single nucleotide variant.
Coding change: c.4462G>C on transcript NM_004304.5 (MANE Select); coding-DNA position 4462, G replaced by C.
Protein change: p.Glu1488Gln; replaces glutamic acid 1488 with glutamine.
Molecular consequence: missense variant.
Genome position (GRCh38, 1-based): chr2:29,193,625, C>G on the plus strand (G>C on the coding strand, the complement: ALK is on the minus strand). VCF-style: chr2-29193625-C-G. GRCh37 (hg19) VCF-style: chr2-29416491-C-G.
Other names: c.4462G>C (NM_004304.4); c.1258G>C, p.Glu420Gln (NM_001353765.2); short protein forms E420Q, E1488Q.
Identifiers: ClinVar variation 1474602 (VCV001474602.9), dbSNP rs776861631, ClinGen allele CA1593567.

ClinVar aggregate classification (germline): Uncertain significance. Review status: criteria provided, multiple submitters, no conflicts (2 of 4 stars). 2 submissions from 2 submitters: Uncertain significance (2). Last evaluated 2025-05-09.

Conditions:
Neuroblastoma, susceptibility to, 3. Also called: ALK-Related Neuroblastic Tumor Susceptibility. Identifiers: Orphanet 635, MedGen C2751681, MONDO:0013083, OMIM 613014.
Hereditary cancer-predisposing syndrome. Also called: Hereditary neoplastic syndrome; Tumor predisposition; Neoplastic Syndromes, Hereditary; Hereditary Cancer Syndrome. Identifiers: Orphanet 140162, MedGen C0027672, MeSH D009386, MONDO:0015356.

Allele frequency attached by ClinVar (database versions not stated): gnomAD exomes below 0.00001; ExAC 0.00001.
gnomAD v4.1: 2 of 1,614,244 alleles (0.00012%); highest among the groups gnomAD compares: Non-Finnish European, 0.00017%; no homozygotes.

Submissions (2):

Ambry Genetics
Classification: Uncertain significance for Hereditary cancer-predisposing syndrome. Last evaluated: 2025-05-09. Review status: criteria provided, single submitter. Criteria: Ambry Variant Classification Scheme 2023. Collection method: clinical testing. Allele origin: germline.
Comment: The p.E1488Q variant (also known as c.4462G>C), located in coding exon 29 of the ALK gene, results from a G to C substitution at nucleotide position 4462. The glutamic acid at codon 1488 is replaced by glutamine, an amino acid with highly similar properties. This amino acid position is conserved. In addition, this alteration is predicted to be tolerated by in silico analysis. Based on the available evidence, the clinical significance of this variant remains unclear.

Labcorp Genetics (formerly Invitae), Labcorp
Classification: Uncertain significance for Neuroblastoma, susceptibility to, 3. Last evaluated: 2022-09-07. Review status: criteria provided, single submitter. Criteria: Invitae Variant Classification Sherloc (09022015). Collection method: clinical testing. Allele origin: germline.
Comment: In summary, the available evidence is currently insufficient to determine the role of this variant in disease. Therefore, it has been classified as a Variant of Uncertain Significance. Algorithms developed to predict the effect of missense changes on protein structure and function are either unavailable or do not agree on the potential impact of this missense change (SIFT: "Deleterious"; PolyPhen-2: "Benign"; Align-GVGD: "Class C0"). ClinVar contains an entry for this variant (Variation ID: 1474602). This variant has not been reported in the literature in individuals affected with ALK-related conditions. This variant is present in population databases (rs776861631, gnomAD 0.0009%). This sequence change replaces glutamic acid, which is acidic and polar, with glutamine, which is neutral and polar, at codon 1488 of the ALK protein (p.Glu1488Gln).